The following is an entry in ClinVar:

ClinVar aggregate classification (germline): Uncertain significance. Review status: criteria provided, multiple submitters, no conflicts (2 of 4 stars). 3 submissions from 3 submitters: Uncertain significance (3). Last evaluated 2025-10-27.

Conditions:
Congenital glucose-galactose malabsorption (GGM). Also called: DIARRHEA 16; MONOSACCHARIDE MALABSORPTION. Identifiers: Orphanet 35710, MedGen C0268186, MONDO:0011731, OMIM 606824.
Inborn genetic diseases. Identifiers: MedGen C0950123, MeSH D030342.

Allele frequency attached by ClinVar (database versions not stated): ExAC 0.00002; gnomAD exomes 0.00002; TOPMed 0.00003; gnomAD 0.00005.

Submissions (3):

Ambry Genetics
Classification: Uncertain significance for Inborn genetic diseases. Last evaluated: 2025-10-27. Review status: criteria provided, single submitter. Criteria: Ambry Variant Classification Scheme 2023. Collection method: clinical testing. Allele origin: germline.

Labcorp Genetics (formerly Invitae), Labcorp
Classification: Uncertain significance for Congenital glucose-galactose malabsorption. Last evaluated: 2024-10-07. Review status: criteria provided, single submitter. Criteria: Invitae Variant Classification Sherloc (09022015). Collection method: clinical testing. Allele origin: germline.
Comment: This sequence change replaces valine, which is neutral and non-polar, with methionine, which is neutral and non-polar, at codon 310 of the SLC5A1 protein (p.Val310Met). This variant is present in population databases (rs200727862, gnomAD 0.004%). This variant has not been reported in the literature in individuals affected with SLC5A1-related conditions. ClinVar contains an entry for this variant (Variation ID: 1403705). Invitae Evidence Modeling of protein sequence and biophysical properties (such as structural, functional, and spatial information, amino acid conservation, physicochemical variation, residue mobility, and thermodynamic stability) has been performed for this missense variant. However, the output from this modeling did not meet the statistical confidence thresholds required to predict the impact of this variant on SLC5A1 protein function. In summary, the available evidence is currently insufficient to determine the role of this variant in disease. Therefore, it has been classified as a Variant of Uncertain Significance.

Fulgent Genetics
Classification: Uncertain significance for Congenital glucose-galactose malabsorption. Last evaluated: 2022-02-12. Review status: criteria provided, single submitter. Criteria: ACMG Guidelines, 2015. Collection method: clinical testing. Allele origin: unknown.

NM_000343.4(SLC5A1):c.928G>A (p.Val310Met)

Gene: SLC5A1 (solute carrier family 5 member 1; plus strand). Cytogenetic location: 22q12.3.
Variant type: single nucleotide variant.
Coding change: c.928G>A on transcript NM_000343.4 (MANE Select); coding-DNA position 928, G replaced by A.
Protein change: p.Val310Met; replaces valine 310 with methionine.
Molecular consequence: missense variant.
Genome position (GRCh38, 1-based): chr22:32,084,942, G>A. VCF-style: chr22-32084942-G-A. GRCh37 (hg19) VCF-style: chr22-32480929-G-A.
Other names: c.547G>A, p.Val183Met (NM_001256314.2); c.928G>A (NM_000343.3); short protein forms V183M, V310M.
Identifiers: ClinVar variation 1403705 (VCV001403705.7), dbSNP rs200727862, ClinGen allele CA10198100.
Genomic context (GRCh38, chr22:32,084,942, plus strand): 5'-CTGGGCTTTTTCTGGCAGGTCATTGTGCAGCGCTGCCTCTCAGCCAAGAATATGTCTCAC[G>A]TGAAGGGTGGCTGCATCCTGTGTGGGTATCTAAAGCTGATGCCCATGTTCATCATGGTGA-3'
Protein context (NP_000334.1, residues 300-320): RCLSAKNMSH[Val310Met]KGGCILCGYL